The following is an entry in ClinVar:

NM_004304.5(ALK):c.4760A>T (p.Gln1587Leu)

Gene: ALK (ALK receptor tyrosine kinase; minus strand). Cytogenetic location: 2p23.2.
Variant type: single nucleotide variant.
Coding change: c.4760A>T on transcript NM_004304.5 (MANE Select); coding-DNA position 4760, A replaced by T.
Protein change: p.Gln1587Leu; replaces glutamine 1587 with leucine.
Molecular consequence: missense variant.
Genome position (GRCh38, 1-based): chr2:29,193,327, T>A on the plus strand (A>T on the coding strand, the complement: ALK is on the minus strand). VCF-style: chr2-29193327-T-A. GRCh37 (hg19) VCF-style: chr2-29416193-T-A.
Other names: c.4760A>T (NM_004304.4); c.1556A>T, p.Gln519Leu (NM_001353765.2); short protein forms Q1587L, Q519L.
Identifiers: ClinVar variation 2881177 (VCV002881177.6), dbSNP rs1443014958, ClinGen allele CA346460305.
Genomic context (GRCh38, chr2:29,193,327, plus strand): 5'-GTATCCTCGTAATGACCAGCTCCAGGGGCAGTAGCGGCTTCTAAGGGCAAGCCCTGTTGC[T>A]GGTAGCCGTAATTGACATTCCCACAAGGGAAGTGACGTAGCCTGAACAGAGGTACCTCCT-3'
Protein context (NP_004295.2, residues 1577-1597): FPCGNVNYGY[Gln1587Leu]QQGLPLEAAT

ClinVar aggregate classification (germline): Uncertain significance. Review status: criteria provided, multiple submitters, no conflicts (2 of 4 stars). 4 submissions from 4 submitters: Uncertain significance (4). Last evaluated 2025-03-08.

Conditions:
Hereditary cancer-predisposing syndrome. Also called: Hereditary Cancer Syndrome; Hereditary neoplastic syndrome; Neoplastic Syndromes, Hereditary; Tumor predisposition. Identifiers: Orphanet 140162, MedGen C0027672, MeSH D009386, MONDO:0015356.
Neuroblastoma, susceptibility to, 3. Also called: ALK-Related Neuroblastic Tumor Susceptibility. Identifiers: Orphanet 635, MedGen C2751681, MONDO:0013083, OMIM 613014.

gnomAD v4.1: 1 of 1,614,202 alleles (0.000062%); highest among the groups gnomAD compares: African/African-American, 0.0013%; no homozygotes.

Submissions (4):

Ambry Genetics
Classification: Uncertain significance for Hereditary cancer-predisposing syndrome. Last evaluated: 2025-03-08. Review status: criteria provided, single submitter. Criteria: Ambry Variant Classification Scheme 2023. Collection method: clinical testing. Allele origin: germline.
Comment: The p.Q1587L variant (also known as c.4760A>T), located in coding exon 29 of the ALK gene, results from an A to T substitution at nucleotide position 4760. The glutamine at codon 1587 is replaced by leucine, an amino acid with dissimilar properties. This amino acid position is conserved. In addition, this alteration is predicted to be tolerated by in silico analysis. Based on the available evidence, the clinical significance of this variant remains unclear.

Baylor Genetics
Classification: Uncertain significance for Neuroblastoma, susceptibility to, 3. Last evaluated: 2024-02-11. Review status: criteria provided, single submitter. Criteria: ACMG Guidelines, 2015. Collection method: clinical testing. Allele origin: unknown.

GeneDx
Classification: Uncertain significance. Last evaluated: 2024-01-29. Review status: criteria provided, single submitter. Criteria: GeneDx Variant Classification Process June 2021. Collection method: clinical testing. Allele origin: germline. Affected: yes.
Comment: Not observed at significant frequency in large population cohorts (gnomAD); In silico analysis supports that this missense variant has a deleterious effect on protein structure/function; Has not been previously published as pathogenic or benign to our knowledge

Labcorp Genetics (formerly Invitae), Labcorp
Classification: Uncertain significance for Neuroblastoma, susceptibility to, 3. Last evaluated: 2023-02-19. Review status: criteria provided, single submitter. Criteria: Invitae Variant Classification Sherloc (09022015). Collection method: clinical testing. Allele origin: germline.
Comment: An algorithm developed to predict the effect of missense changes on protein structure and function (PolyPhen-2) suggests that this variant is likely to be disruptive. This variant has not been reported in the literature in individuals affected with ALK-related conditions. In summary, the available evidence is currently insufficient to determine the role of this variant in disease. Therefore, it has been classified as a Variant of Uncertain Significance. This variant is not present in population databases (gnomAD no frequency). This sequence change replaces glutamine, which is neutral and polar, with leucine, which is neutral and non-polar, at codon 1587 of the ALK protein (p.Gln1587Leu).